The following is an entry in ClinVar:

NM_175914.5(HNF4A):c.*226C>A

Gene: HNF4A (hepatocyte nuclear factor 4 alpha; plus strand). Cytogenetic location: 20q13.12.
Variant type: single nucleotide variant.
Coding change: c.*226C>A on transcript NM_175914.5 (MANE Select); 226 bases downstream of the stop codon, C replaced by A.
Molecular consequence: 3 prime UTR variant.
Genome position (GRCh38, 1-based): chr20:44,429,891, C>A. VCF-style: chr20-44429891-C-A. GRCh37 (hg19) VCF-style: chr20-43058531-C-A.
Other names: c.*226C>A (NM_000457.6, NM_001030003.3, NM_001258355.2 and 3 more transcripts).
Identifiers: ClinVar variation 338435 (VCV000338435.6), dbSNP rs886056680, ClinGen allele CA10649723.

ClinVar aggregate classification (germline): Conflicting classifications of pathogenicity. Review status: criteria provided, conflicting classifications (1 of 4 stars). 3 submissions from 2 submitters: Uncertain significance (2); Likely benign (1). Last evaluated 2018-01-13.

Conditions:
Maturity-onset diabetes of the young type 1. Also called: MILD JUVENILE DIABETES MELLITUS; MODY, type I; MODY type 1; Diabetes mellitus MODY type 1; MODY HNF4A related; HNF4A-Related Maturity-Onset Diabetes of the Young Type 1. Identifiers: Orphanet 552, MedGen C1852093, MONDO:0007452, OMIM 125850. Disease mechanism: loss of function.
Maturity-onset diabetes of the young (MODY). Also called: Maturity onset diabetes mellitus in young. Identifiers: Orphanet 552, MedGen C0342276, MONDO:0018911, HP:0004904.
Familial hyperinsulinism. Also called: Congenital hyperinsulinism. Identifiers: Orphanet 276525, MedGen C3888018, MONDO:0017182. Disease mechanism: loss of function.

Allele frequency attached by ClinVar (database versions not stated): gnomAD exomes below 0.00001.
gnomAD v4.1: 1 of 569,850 alleles (0.00018%); highest among the groups gnomAD compares: African/African-American, 0.0019%; no homozygotes.

Submissions (3):

Illumina Laboratory Services, Illumina
Classification: Uncertain significance for Maturity-onset diabetes of the young type 1. Last evaluated: 2018-01-13. Review status: criteria provided, single submitter. Criteria: ICSL Variant Classification Criteria 13 December 2019. Collection method: clinical testing. Allele origin: germline.

Illumina Laboratory Services, Illumina
Classification: Uncertain significance for Familial hyperinsulinism. Last evaluated: 2018-01-13. Review status: criteria provided, single submitter. Criteria: ICSL Variant Classification Criteria 13 December 2019. Collection method: clinical testing. Allele origin: germline.

Clinical Genomics, Uppaluri K&H Personalized Medicine Clinic
Classification: Likely benign for Maturity-onset diabetes of the young. Review status: criteria provided, single submitter. Criteria: K & H Uppaluri Personalized Medicine Clinic Variant Classification & Assertion Criteria_Updated V.1. Collection method: research. Allele origin: unknown. Inheritance: Autosomal dominant inheritance.
Comment: Potent mutations in HNF4A are associated with poor insulin secretion in response to hyperglycemia. Associated with MODY1. Patients initially respond well to sulfonylureas but eventually become insulin dependent. However, more evidence is required to ascertain the role of this particular variant rs886056680 in MODY, yet.

Literature cited by the submitters: DOI 10.1159/000334532 (cited by Clinical Genomics, Uppaluri K&H Personalized Medicine Clinic); PubMed 18268044 (cited by Clinical Genomics, Uppaluri K&H Personalized Medicine Clinic); PubMed 17563455 (cited by Clinical Genomics, Uppaluri K&H Personalized Medicine Clinic); PubMed 32583173 (cited by Clinical Genomics, Uppaluri K&H Personalized Medicine Clinic); PubMed 35052457 (cited by Clinical Genomics, Uppaluri K&H Personalized Medicine Clinic); PubMed 35118593 (cited by Clinical Genomics, Uppaluri K&H Personalized Medicine Clinic).